The following is an entry in ClinVar:

ClinVar aggregate classification (germline): Uncertain significance. Review status: criteria provided, multiple submitters, no conflicts (2 of 4 stars). 4 submissions from 4 submitters: Uncertain significance (4). Last evaluated 2025-12-15.

Conditions:
Colorectal cancer, hereditary nonpolyposis, type 7. Identifiers: Orphanet 144, MedGen C1858380, MONDO:0013725, OMIM 614385.
MLH3-related disorder. Also called: MLH3-related condition.

Allele frequency attached by ClinVar (database versions not stated): gnomAD exomes 0.00002; ExAC 0.00003; gnomAD 0.00004; TOPMed 0.00004.
gnomAD v4.1: 34 of 1,613,864 alleles (0.0021%); highest among the groups gnomAD compares: Non-Finnish European, 0.0027%; no homozygotes.

Submissions (4):

Labcorp Genetics (formerly Invitae), Labcorp
Classification: Uncertain significance for Colorectal cancer, hereditary nonpolyposis, type 7. Last evaluated: 2025-12-15. Review status: criteria provided, single submitter. Criteria: Invitae Variant Classification Sherloc (09022015). Collection method: clinical testing. Allele origin: germline.
Comment: This sequence change replaces aspartic acid, which is acidic and polar, with glycine, which is neutral and non-polar, at codon 361 of the MLH3 protein (p.Asp361Gly). This variant is present in population databases (rs749840648, gnomAD 0.006%). This variant has not been reported in the literature in individuals affected with MLH3-related conditions. ClinVar contains an entry for this variant (Variation ID: 643264). An algorithm developed to predict the effect of missense changes on protein structure and function (PolyPhen-2) suggests that this variant is likely to be tolerated. In summary, the available evidence is currently insufficient to determine the role of this variant in disease. Therefore, it has been classified as a Variant of Uncertain Significance.

Ambry Genetics
Classification: Uncertain significance. Last evaluated: 2025-04-25. Review status: criteria provided, single submitter. Criteria: Ambry Variant Classification Scheme 2023. Collection method: clinical testing. Allele origin: germline.
Comment: The p.D361G variant (also known as c.1082A>G), located in coding exon 1 of the MLH3 gene, results from an A to G substitution at nucleotide position 1082. The aspartic acid at codon 361 is replaced by glycine, an amino acid with similar properties. This amino acid position is highly conserved in available vertebrate species. In addition, this alteration is predicted to be deleterious by in silico analysis. Since supporting evidence is limited at this time, the clinical significance of this alteration remains unclear.

Center for Genomic Medicine, Rigshospitalet, Copenhagen University Hospital
Classification: Uncertain significance. Last evaluated: 2025-03-04. Review status: criteria provided, single submitter. Criteria: ACMG Guidelines, 2015. Collection method: clinical testing. Allele origin: germline.

PreventionGenetics, part of Exact Sciences
Classification: Uncertain significance for MLH3-related condition. Last evaluated: 2022-12-14. Review status: criteria provided, single submitter. Criteria: ACMG Guidelines, 2015. Collection method: clinical testing. Allele origin: germline.
Comment: The MLH3 c.1082A>G variant is predicted to result in the amino acid substitution p.Asp361Gly. To our knowledge, this variant has not been reported in the literature. This variant is reported in 0.0062% of alleles in individuals of European (Non-Finnish) descent in gnomAD ad is interpreted as uncertain significance in ClinVar. At this time, the clinical significance of this variant is uncertain due to the absence of conclusive functional and genetic evidence.

NM_001040108.2(MLH3):c.1082A>G (p.Asp361Gly)

Gene: MLH3 (mutL homolog 3; minus strand). Cytogenetic location: 14q24.3.
Variant type: single nucleotide variant.
Coding change: c.1082A>G on transcript NM_001040108.2 (MANE Select); coding-DNA position 1082, A replaced by G.
Protein change: p.Asp361Gly; replaces aspartic acid 361 with glycine.
Molecular consequence: missense variant.
Genome position (GRCh38, 1-based): chr14:75,048,574, T>C on the plus strand (A>G on the coding strand, the complement: MLH3 is on the minus strand). VCF-style: chr14-75048574-T-C. GRCh37 (hg19) VCF-style: chr14-75515277-T-C.
Other names: c.1082A>G, p.Asp361Gly (NM_014381.3); short protein forms D361G.
Identifiers: ClinVar variation 643264 (VCV000643264.17), dbSNP rs749840648, ClinGen allele CA7275925.
Genomic context (GRCh38, chr14:75,048,574, plus strand): 5'-CGCTTCTGAAGAGTAGCATCAAATAAACTAAAACCATTATCTTCACTAAATTCCTTAATA[T>C]CCTCACCTGATAATTCCACAAATAATTTTTCTTGCTTTAAAAACATTTTCACTCCTTCCT-3'
Protein context (NP_001035197.1, residues 351-371): EKLFVELSGE[Asp361Gly]IKEFSEDNGF